The following is an entry in ClinVar:

NM_004371.4(COPA):c.3650G>A (p.Arg1217Lys)

Gene: COPA (coat protein complex I subunit alpha; minus strand). Cytogenetic location: 1q23.2.
Variant type: single nucleotide variant.
Coding change: c.3650G>A on transcript NM_004371.4 (MANE Select); coding-DNA position 3650, G replaced by A.
Protein change: p.Arg1217Lys; replaces arginine 1217 with lysine.
Molecular consequence: missense variant.
Genome position (GRCh38, 1-based): chr1:160,290,182, C>T on the plus strand (G>A on the coding strand, the complement: COPA is on the minus strand). VCF-style: chr1-160290182-C-T. GRCh37 (hg19) VCF-style: chr1-160259972-C-T.
Other names: c.3677G>A, p.Arg1226Lys (NM_001098398.2); short protein forms R1217K, R1226K.
Identifiers: ClinVar variation 956374 (VCV000956374.9), dbSNP rs1322429024, ClinGen allele CA343268229.

ClinVar aggregate classification (germline): Uncertain significance (1 of 4 stars; one submission).

Conditions:
Autoimmune interstitial lung disease-arthritis syndrome. Also called: Autoinflammation and autoimmunity, systemic, with immune dysregulation. Identifiers: Orphanet 444092, MedGen C5975714, MONDO:0014629.

Allele frequency attached by ClinVar (database versions not stated): gnomAD exomes below 0.00001; gnomAD 0.00001.
gnomAD v4.1: 3 of 1,613,992 alleles (0.00019%); highest among the groups gnomAD compares: Admixed American, 0.005%; no homozygotes.

Submission:

Labcorp Genetics (formerly Invitae), Labcorp
Classification: Uncertain significance for Autoimmune interstitial lung disease-arthritis syndrome. Last evaluated: 2022-10-17. Review status: criteria provided, single submitter. Criteria: Invitae Variant Classification Sherloc (09022015). Collection method: clinical testing. Allele origin: germline.
Comment: In summary, the available evidence is currently insufficient to determine the role of this variant in disease. Therefore, it has been classified as a Variant of Uncertain Significance. Advanced modeling of protein sequence and biophysical properties (such as structural, functional, and spatial information, amino acid conservation, physicochemical variation, residue mobility, and thermodynamic stability) performed at Invitae indicates that this missense variant is not expected to disrupt COPA protein function. ClinVar contains an entry for this variant (Variation ID: 956374). This variant has not been reported in the literature in individuals affected with COPA-related conditions. This variant is present in population databases (no rsID available, gnomAD 0.003%). This sequence change replaces arginine, which is basic and polar, with lysine, which is basic and polar, at codon 1217 of the COPA protein (p.Arg1217Lys).